The following is an entry in ClinVar:

NM_000038.6(APC):c.4793C>A (p.Ala1598Asp)

Gene: APC (APC regulator of Wnt signaling pathway; plus strand). Cytogenetic location: 5q22.2.
Variant type: single nucleotide variant.
Coding change: c.4793C>A on transcript NM_000038.6 (MANE Select); coding-DNA position 4793, C replaced by A.
Protein change: p.Ala1598Asp; replaces alanine 1598 with aspartic acid.
Molecular consequence: missense variant. On other transcripts: non-coding transcript variant (2).
Genome position (GRCh38, 1-based): chr5:112,840,387, C>A. VCF-style: chr5-112840387-C-A. GRCh37 (hg19) VCF-style: chr5-112176084-C-A.
Other names: c.4739C>A, p.Ala1580Asp (NM_001127511.3); c.4793C>A, p.Ala1598Asp (NM_001354895.2, NM_001407450.1, NM_001127510.3); c.4847C>A, p.Ala1616Asp (NM_001354896.2, NM_001407447.1, NM_001407448.1 and 1 more transcripts); c.4823C>A, p.Ala1608Asp (NM_001354897.2); c.4718C>A, p.Ala1573Asp (NM_001354898.2); c.4709C>A, p.Ala1570Asp (NM_001354899.2); c.4670C>A, p.Ala1557Asp (NM_001354900.2); c.4616C>A, p.Ala1539Asp (NM_001354901.2, NM_001407453.1); and 12 more; short protein forms A1214D, A1438D, A1515D, A1539D, A1588D, A1497D, A1557D, A1570D.
Identifiers: ClinVar variation 2775073 (VCV002775073.3), dbSNP rs2149923884, ClinGen allele CA16031836.
Genomic context (GRCh38, chr5:112,840,387, plus strand): 5'-GTATTATTTCTGCCATGCCAACAAAGTCATCACGTAAAGCAAAAAAGCCAGCCCAGACTG[C>A]TTCAAAATTACCTCCACCTGTGGCAAGGAAACCAAGTCAGCTGCCTGTGTACAAACTTCT-3'
Protein context (NP_000029.2, residues 1588-1608): SRKAKKPAQT[Ala1598Asp]SKLPPPVARK

ClinVar aggregate classification (germline): Uncertain significance. Review status: criteria provided, multiple submitters, no conflicts (2 of 4 stars). 2 submissions from 2 submitters: Uncertain significance (2). Last evaluated 2026-02-20.

Conditions:
Hereditary cancer-predisposing syndrome. Also called: Tumor predisposition; Hereditary Cancer Syndrome; Hereditary neoplastic syndrome; Neoplastic Syndromes, Hereditary. Identifiers: Orphanet 140162, MedGen C0027672, MeSH D009386, MONDO:0015356.

Submissions (2):

Ambry Genetics
Classification: Uncertain significance for Hereditary cancer-predisposing syndrome. Last evaluated: 2026-02-20. Review status: criteria provided, single submitter. Criteria: Ambry Variant Classification Scheme 2023. Collection method: clinical testing. Allele origin: germline.
Comment: The p.A1598D variant (also known as c.4793C>A), located in coding exon 15 of the APC gene, results from a C to A substitution at nucleotide position 4793. The alanine at codon 1598 is replaced by aspartic acid, an amino acid with dissimilar properties. This amino acid position is conserved. In addition, in silico predictors for this gene do not accurately predict pathogenicity. Based on the available evidence, the clinical significance of this variant remains unclear.

Color Diagnostics, LLC DBA Color Health
Classification: Uncertain significance for Hereditary cancer-predisposing syndrome. Last evaluated: 2024-03-06. Review status: criteria provided, single submitter. Criteria: ACMG Guidelines, 2015. Collection method: clinical testing. Allele origin: germline.
Comment: This missense variant replaces alanine with aspartic acid at codon 1598 of the APC protein. Computational prediction suggests that this variant may not impact protein structure and function (internally defined REVEL score threshold <= 0.5, PMID: 27666373). To our knowledge, functional studies have not been reported for this variant. This variant has not been reported in individuals affected with hereditary cancer in the literature. This variant has not been identified in the general population by the Genome Aggregation Database (gnomAD). The available evidence is insufficient to determine the role of this variant in disease conclusively. Therefore, this variant is classified as a Variant of Uncertain Significance.